The following is an entry in ClinVar:

ClinVar aggregate classification (germline): Uncertain significance. Review status: criteria provided, multiple submitters, no conflicts (2 of 4 stars). 2 submissions from 2 submitters: Uncertain significance (2). Last evaluated 2024-06-09.

gnomAD v4.1: 5 of 1,613,740 alleles (0.00031%); highest among the groups gnomAD compares: Non-Finnish European, 0.00042%; no homozygotes.

Submissions (2):

Ambry Genetics
Classification: Uncertain significance. Last evaluated: 2024-06-09. Review status: criteria provided, single submitter. Criteria: Ambry Variant Classification Scheme 2023. Collection method: clinical testing. Allele origin: germline.
Comment: The p.I1115M variant (also known as c.3345C>G), located in coding exon 17 of the NPAT gene, results from a C to G substitution at nucleotide position 3345. The isoleucine at codon 1115 is replaced by methionine, an amino acid with highly similar properties. This amino acid position is conserved. In addition, this alteration is predicted to be tolerated by in silico analysis. Based on the available evidence, the clinical significance of this variant remains unclear.

Labcorp Genetics (formerly Invitae), Labcorp
Classification: Uncertain significance. Last evaluated: 2023-09-23. Review status: criteria provided, single submitter. Criteria: Invitae Variant Classification Sherloc (09022015). Collection method: clinical testing. Allele origin: germline.
Comment: In summary, the available evidence is currently insufficient to determine the role of this variant in disease. Therefore, it has been classified as a Variant of Uncertain Significance. An algorithm developed to predict the effect of missense changes on protein structure and function (PolyPhen-2) suggests that this variant is likely to be tolerated. This variant has not been reported in the literature in individuals affected with NPAT-related conditions. This variant is not present in population databases (gnomAD no frequency). This sequence change replaces isoleucine, which is neutral and non-polar, with methionine, which is neutral and non-polar, at codon 1115 of the NPAT protein (p.Ile1115Met).

NM_002519.3(NPAT):c.3345C>G (p.Ile1115Met)

Gene: NPAT (nuclear protein, coactivator of histone transcription; minus strand). Cytogenetic location: 11q22.3.
Variant type: single nucleotide variant.
Coding change: c.3345C>G on transcript NM_002519.3 (MANE Select); coding-DNA position 3345, C replaced by G.
Protein change: p.Ile1115Met; replaces isoleucine 1115 with methionine.
Molecular consequence: missense variant.
Genome position (GRCh38, 1-based): chr11:108,161,741, G>C on the plus strand (C>G on the coding strand, the complement: NPAT is on the minus strand). VCF-style: chr11-108161741-G-C. GRCh37 (hg19) VCF-style: chr11-108032468-G-C.
Other names: c.3366C>G, p.Ile1122Met (NM_001321307.1); c.3345C>G (NM_002519.2); short protein forms I1115M, I1122M.
Identifiers: ClinVar variation 2880563 (VCV002880563.4), dbSNP rs1299875577, ClinGen allele CA382511015.
Genomic context (GRCh38, chr11:108,161,741, plus strand): 5'-AATGGCACTTTCCGATTTAGATAAAATCTTAGGCAGAGGAGGCTTCTCTTTCTCTCTTTT[G>C]ATAGCATTATTAGAAGGGGGTTTTAAGGTGGAGGACACATTGGGTGAGTCAAGATTAGGA-3'
Protein context (NP_002510.2, residues 1105-1125): STLKPPSNNA[Ile1115Met]KREKEKPPLP